The following is an entry in ClinVar:

ClinVar aggregate classification (germline): Uncertain significance (1 of 4 stars; one submission).

gnomAD v4.1: 2 of 1,613,846 alleles (0.00012%); highest among the groups gnomAD compares: Non-Finnish European, 0.00017%; no homozygotes.

Submission:

GeneDx
Classification: Uncertain significance. Last evaluated: 2025-05-12. Review status: criteria provided, single submitter. Criteria: GeneDx Variant Classification Process June 2021. Collection method: clinical testing. Allele origin: germline. Affected: yes.
Comment: Not observed at significant frequency in large population cohorts (gnomAD); In silico analysis suggests that this missense variant does not alter protein structure/function; Has not been previously published as pathogenic or benign to our knowledge

NM_014112.5(TRPS1):c.3601C>T (p.Pro1201Ser)

Gene: TRPS1 (transcriptional repressor GATA binding 1; minus strand). Cytogenetic location: 8q23.3.
Variant type: single nucleotide variant.
Coding change: c.3601C>T on transcript NM_014112.5 (MANE Select); coding-DNA position 3601, C replaced by T.
Protein change: p.Pro1201Ser; replaces proline 1201 with serine.
Molecular consequence: missense variant.
Genome position (GRCh38, 1-based): chr8:115,414,307, G>A on the plus strand (C>T on the coding strand, the complement: TRPS1 is on the minus strand). VCF-style: chr8-115414307-G-A. GRCh37 (hg19) VCF-style: chr8-116426535-G-A.
Other names: c.3574C>T, p.Pro1192Ser (NM_001282902.3); c.3580C>T, p.Pro1194Ser (NM_001282903.3); c.3562C>T, p.Pro1188Ser (NM_001330599.2); short protein forms P1188S, P1192S, P1194S, P1201S.
Identifiers: ClinVar variation 4529814 (VCV004529814.1).